The following is an entry in ClinVar:

ClinVar aggregate classification (germline): Uncertain significance (1 of 4 stars; one submission).

gnomAD v4.1: 2 of 1,612,516 alleles (0.00012%); highest among the groups gnomAD compares: South Asian, 0.0011%; no homozygotes.

Submission:

Labcorp Genetics (formerly Invitae), Labcorp
Classification: Uncertain significance. Last evaluated: 2025-01-02. Review status: criteria provided, single submitter. Criteria: Invitae Variant Classification Sherloc (09022015). Collection method: clinical testing. Allele origin: germline.
Comment: This sequence change replaces glycine, which is neutral and non-polar, with arginine, which is basic and polar, at codon 1006 of the ITPR1 protein (p.Gly1006Arg). This variant is not present in population databases (gnomAD no frequency). This variant has not been reported in the literature in individuals affected with ITPR1-related conditions. Invitae Evidence Modeling of protein sequence and biophysical properties (such as structural, functional, and spatial information, amino acid conservation, physicochemical variation, residue mobility, and thermodynamic stability) indicates that this missense variant is not expected to disrupt ITPR1 protein function with a negative predictive value of 95%. In summary, the available evidence is currently insufficient to determine the role of this variant in disease. Therefore, it has been classified as a Variant of Uncertain Significance.

NM_001378452.1(ITPR1):c.3088G>A (p.Gly1030Arg)

Gene: ITPR1 (inositol 1,4,5-trisphosphate receptor type 1; plus strand). Cytogenetic location: 3p26.1.
Variant type: single nucleotide variant.
Coding change: c.3088G>A on transcript NM_001378452.1 (MANE Select); coding-DNA position 3088, G replaced by A.
Protein change: p.Gly1030Arg; replaces glycine 1030 with arginine.
Molecular consequence: missense variant.
Genome position (GRCh38, 1-based): chr3:4,680,673, G>A. VCF-style: chr3-4680673-G-A. GRCh37 (hg19) VCF-style: chr3-4722357-G-A.
Other names: c.3061G>A, p.Gly1021Arg (NM_001099952.4); c.3043G>A, p.Gly1015Arg (NM_001168272.2); c.3016G>A, p.Gly1006Arg (NM_002222.7); short protein forms G1006R, G1015R, G1021R, G1030R.
Identifiers: ClinVar variation 3630652 (VCV003630652.2).